The following is an entry in ClinVar:

NM_005188.4(CBL):c.1228-10T>G

Gene: CBL (Cbl proto-oncogene; plus strand). Cytogenetic location: 11q23.3.
Variant type: single nucleotide variant.
Coding change: c.1228-10T>G on transcript NM_005188.4 (MANE Select); 10 bases into the intron before coding-DNA position 1228, T replaced by G.
Molecular consequence: intron variant.
Genome position (GRCh38, 1-based): chr11:119,278,500, T>G. VCF-style: chr11-119278500-T-G. GRCh37 (hg19) VCF-style: chr11-119149210-T-G.
Identifiers: ClinVar variation 851023 (VCV000851023.8), dbSNP rs754477196, ClinGen allele CA6318476.

ClinVar aggregate classification (germline): Likely benign. Review status: criteria provided, multiple submitters, no conflicts (2 of 4 stars). 2 submissions from 2 submitters: Likely benign (2). Last evaluated 2025-12-26.

Conditions:
RASopathy. Also called: Noonan spectrum disorder; rasopathies. Identifiers: Orphanet 536391, MedGen C5555857, MONDO:0021060.

Allele frequency attached by ClinVar (database versions not stated): gnomAD exomes 0.00003 and 0.00006; gnomAD 0.00004; ExAC 0.00005; TOPMed 0.00007.
gnomAD v4.1: 57 of 1,611,404 alleles (0.0035%); highest among the groups gnomAD compares: African/African-American, 0.019%; no homozygotes.

Submissions (2):

Women's Health and Genetics/Laboratory Corporation of America, LabCorp
Classification: Likely benign. Last evaluated: 2025-12-26. Review status: criteria provided, single submitter. Criteria: LabCorp Variant Classification Summary - May 2015. Collection method: clinical testing. Allele origin: germline.
Comment: Variant summary: CBL c.1228-10T>G alters a nucleotide located at a position not widely known to affect splicing. Consensus agreement among computation tools predict no significant impact on normal splicing. However, these predictions have yet to be confirmed by functional studies. The variant allele was found at a frequency of 6e-05 in 251354 control chromosomes. This frequency is not significantly higher than estimated for disease-causing variants in CBL, allowing no conclusion about variant significance. To our knowledge, no occurrence of c.1228-10T>G in individuals affected with CBL-related conditions and no experimental evidence demonstrating its impact on protein function have been reported. ClinVar contains an entry for this variant (Variation ID: 851023). Based on the evidence outlined above, the variant was classified as likely benign.

Labcorp Genetics (formerly Invitae), Labcorp
Classification: Likely benign for RASopathy. Last evaluated: 2025-12-21. Review status: criteria provided, single submitter. Criteria: Invitae Variant Classification Sherloc (09022015). Collection method: clinical testing. Allele origin: germline.

Literature cited by the submitters: PubMed 25224413 (cited by Women's Health and Genetics/Laboratory Corporation of America, LabCorp); PubMed 21828135 (cited by Women's Health and Genetics/Laboratory Corporation of America, LabCorp); PubMed 23690417 (cited by Women's Health and Genetics/Laboratory Corporation of America, LabCorp); PubMed 19387008 (cited by Women's Health and Genetics/Laboratory Corporation of America, LabCorp); PubMed 19901108 (cited by Women's Health and Genetics/Laboratory Corporation of America, LabCorp); PubMed 20951944 (cited by Women's Health and Genetics/Laboratory Corporation of America, LabCorp); PubMed 19620960 (cited by Women's Health and Genetics/Laboratory Corporation of America, LabCorp); PubMed 22733026 (cited by Women's Health and Genetics/Laboratory Corporation of America, LabCorp); PubMed 29296819 (cited by Women's Health and Genetics/Laboratory Corporation of America, LabCorp); PubMed 20694012 (cited by Women's Health and Genetics/Laboratory Corporation of America, LabCorp); PubMed 20619386 (cited by Women's Health and Genetics/Laboratory Corporation of America, LabCorp); PubMed 23010802 (cited by Women's Health and Genetics/Laboratory Corporation of America, LabCorp); PubMed 23696637 (cited by Women's Health and Genetics/Laboratory Corporation of America, LabCorp); PubMed 27069254 (cited by Women's Health and Genetics/Laboratory Corporation of America, LabCorp).